The following is an entry in ClinVar:

NM_032444.4(SLX4):c.248G>A (p.Gly83Asp)

Gene: SLX4 (SLX4 structure-specific endonuclease subunit; minus strand). Cytogenetic location: 16p13.3.
Variant type: single nucleotide variant.
Coding change: c.248G>A on transcript NM_032444.4 (MANE Select); coding-DNA position 248, G replaced by A.
Protein change: p.Gly83Asp; replaces glycine 83 with aspartic acid.
Molecular consequence: missense variant.
Genome position (GRCh38, 1-based): chr16:3,608,717, C>T on the plus strand (G>A on the coding strand, the complement: SLX4 is on the minus strand). VCF-style: chr16-3608717-C-T. GRCh37 (hg19) VCF-style: chr16-3658718-C-T.
Other names: short protein forms G83D.
Identifiers: ClinVar variation 2730488 (VCV002730488.3), dbSNP rs771698977, ClinGen allele CA394547633.

ClinVar aggregate classification (germline): Uncertain significance (1 of 4 stars; one submission).

Conditions:
Fanconi anemia (FA). Also called: Fanconi's anemia. Identifiers: Orphanet 84, MedGen C0015625, MeSH D005199, MONDO:0019391.

gnomAD v4.1: 2 of 1,614,046 alleles (0.00012%); highest among the groups gnomAD compares: Admixed American, 0.0033%; no homozygotes.

Submission:

Labcorp Genetics (formerly Invitae), Labcorp
Classification: Uncertain significance for Fanconi anemia. Last evaluated: 2023-09-10. Review status: criteria provided, single submitter. Criteria: Invitae Variant Classification Sherloc (09022015). Collection method: clinical testing. Allele origin: germline.
Comment: In summary, the available evidence is currently insufficient to determine the role of this variant in disease. Therefore, it has been classified as a Variant of Uncertain Significance. An algorithm developed to predict the effect of missense changes on protein structure and function (PolyPhen-2) suggests that this variant is likely to be tolerated. This variant has not been reported in the literature in individuals affected with SLX4-related conditions. This variant is present in population databases (no rsID available, gnomAD 0.006%). This sequence change replaces glycine, which is neutral and non-polar, with aspartic acid, which is acidic and polar, at codon 83 of the SLX4 protein (p.Gly83Asp).